The following is an entry in ClinVar:

NM_014251.3(SLC25A13):c.415_428del (p.Gly139fs)

Gene: SLC25A13 (solute carrier family 25 member 13; minus strand). Cytogenetic location: 7q21.3.
Variant type: Deletion.
Coding change: c.415_428del on transcript NM_014251.3 (MANE Select); coding-DNA positions 415 to 428, 14 bases deleted (GGAAAAGAAAGAAA).
Protein change: p.Gly139fs; shifts the reading frame from glycine 139.
Molecular consequence: frameshift variant. On other transcripts: non-coding transcript variant (1).
Genome position (GRCh38, 1-based): chr7:96,208,878-96,208,891, TTTCTTTCTTTTCC deleted on the plus strand (GGAAAAGAAAGAAA on the coding strand, the reverse complement: SLC25A13 is on the minus strand). VCF-style (leftmost placement, unchanged base first): chr7-96208877-TTTTCTTTCTTTTCC-T. GRCh37 (hg19) VCF-style: chr7-95838189-TTTTCTTTCTTTTCC-T.
Other names: c.415_428del, p.Gly139fs (NM_001160210.2); short protein forms G139fs.
Identifiers: ClinVar variation 2000927 (VCV002000927.4), dbSNP rs2485894223, ClinGen allele CA2580077907.

ClinVar aggregate classification (germline): Pathogenic (1 of 4 stars; one submission).

Conditions:
Citrin deficiency. Identifiers: Orphanet 247582, MedGen C1997910, MONDO:0016602.

Submission:

Labcorp Genetics (formerly Invitae), Labcorp
Classification: Pathogenic for Citrin deficiency. Last evaluated: 2022-05-30. Review status: criteria provided, single submitter. Criteria: Invitae Variant Classification Sherloc (09022015). Collection method: clinical testing. Allele origin: germline.
Comment: Algorithms developed to predict the effect of sequence changes on RNA splicing suggest that this variant may disrupt the consensus splice site. For these reasons, this variant has been classified as Pathogenic. This variant has not been reported in the literature in individuals affected with SLC25A13-related conditions. This sequence change creates a premature translational stop signal (p.Gly139Lysfs*31) in the SLC25A13 gene. It is expected to result in an absent or disrupted protein product. Loss-of-function variants in SLC25A13 are known to be pathogenic (PMID: 10369257, 14680984, 27405544). This variant is not present in population databases (gnomAD no frequency).

Literature cited by the submitters: PubMed 10369257; PubMed 14680984; PubMed 27405544.